The following is an entry in ClinVar:

ClinVar aggregate classification (germline): Uncertain significance (1 of 4 stars; one submission).

Submission:

CeGaT Center for Human Genetics Tuebingen
Classification: Uncertain significance. Last evaluated: 2025-06-01. Review status: criteria provided, single submitter. Criteria: CeGaT Center For Human Genetics Tuebingen Variant Classification Criteria Version 2. Collection method: clinical testing. Allele origin: germline. Affected: yes. Observed: 2 variant alleles.
Comment: PRF1: PM2, PM4

NM_001083116.3(PRF1):c.1040_1045del (p.His347_Val348del)

Gene: PRF1 (perforin 1; minus strand). Cytogenetic location: 10q22.1.
Variant type: Deletion.
Coding change: c.1040_1045del on transcript NM_001083116.3 (MANE Select); coding-DNA positions 1040 to 1045, 6 bases deleted (ACGTGC; older notation c.1040_1045delACGTGC).
Protein change: p.His347_Val348del.
Molecular consequence: inframe deletion.
Genome position (GRCh38, 1-based): chr10:70,598,676-70,598,681, GCACGT deleted on the plus strand (ACGTGC on the coding strand, the reverse complement: PRF1 is on the minus strand); deleting any 6 consecutive bases within chr10:70,598,676-70,598,684 gives the same sequence; the c. name uses the placement nearest the transcript's 3' end. VCF-style (leftmost placement, unchanged base first): chr10-70598675-AGCACGT-A. GRCh37 (hg19) VCF-style: chr10-72358431-AGCACGT-A.
Other names: c.1040_1045del, p.His347_Val348del (NM_005041.6).
Identifiers: ClinVar variation 3898616 (VCV003898616.7).